The following is an entry in ClinVar:

NM_001018005.2(TPM1):c.221C>T (p.Ala74Val)

Gene: TPM1 (tropomyosin 1; plus strand). Cytogenetic location: 15q22.2.
Variant type: single nucleotide variant.
Coding change: c.221C>T on transcript NM_001018005.2 (MANE Select); coding-DNA position 221, C replaced by T.
Protein change: p.Ala74Val; replaces alanine 74 with valine.
Molecular consequence: missense variant. On other transcripts: intron variant (3).
Genome position (GRCh38, 1-based): chr15:63,044,133, C>T. VCF-style: chr15-63044133-C-T. GRCh37 (hg19) VCF-style: chr15-63336332-C-T.
Other names: c.221C>T, p.Ala74Val (NM_000366.6, NM_001018004.2, NM_001018006.2 and 10 more transcripts); c.347C>T, p.Ala116Val (NM_001365778.1, NM_001407322.1, NM_001407323.1 and 1 more transcripts); c.240+302C>T (NM_001018020.2, NM_001018007.2, NM_001301244.2); short protein forms A116V, A74V.
Identifiers: ClinVar variation 2116633 (VCV002116633.4), dbSNP rs2542432618, ClinGen allele CA392718711.
Genomic context (GRCh38, chr15:63,044,133, plus strand): 5'-AAGATGAACTGGACAAATACTCTGAGGCTCTCAAAGATGCCCAGGAGAAGCTGGAGCTGG[C>T]AGAGAAAAAGGCCACCGATGTAAGTGCACGCTCACACTGCTTCCCTCACCTCTTGCCTGC-3'
Protein context (NP_001018005.1, residues 64-84): LKDAQEKLEL[Ala74Val]EKKATDAEAD

ClinVar aggregate classification (germline): Uncertain significance (1 of 4 stars; one submission).

Conditions:
Hypertrophic cardiomyopathy. Also called: HYPERTROPHIC MYOCARDIOPATHY. Identifiers: Orphanet 217569, MedGen C0007194, MeSH D002312, MONDO:0005045, HP:0001639.

Submission:

Labcorp Genetics (formerly Invitae), Labcorp
Classification: Uncertain significance for Hypertrophic cardiomyopathy. Last evaluated: 2022-10-09. Review status: criteria provided, single submitter. Criteria: Invitae Variant Classification Sherloc (09022015). Collection method: clinical testing. Allele origin: germline.
Comment: This variant has not been reported in the literature in individuals affected with TPM1-related conditions. Algorithms developed to predict the effect of missense changes on protein structure and function are either unavailable or do not agree on the potential impact of this missense change (SIFT: "Tolerated"; PolyPhen-2: "Possibly Damaging"; Align-GVGD: "Class C0"). In summary, the available evidence is currently insufficient to determine the role of this variant in disease. Therefore, it has been classified as a Variant of Uncertain Significance. This variant is not present in population databases (gnomAD no frequency). This sequence change replaces alanine, which is neutral and non-polar, with valine, which is neutral and non-polar, at codon 74 of the TPM1 protein (p.Ala74Val).